The following is an entry in ClinVar:

ClinVar aggregate classification (germline): Likely pathogenic (1 of 4 stars; one submission).

Conditions:
Snijders blok-fisher syndrome. Identifiers: Orphanet 656135, MedGen C5231424, MONDO:0032830, OMIM 618604.

Submission:

Variantyx, Inc.
Classification: Likely pathogenic for Snijders blok-fisher syndrome. Last evaluated: 2025-09-17. Review status: criteria provided, single submitter. Criteria: Variantyx Assertion Criteria 2022. Collection method: clinical testing. Allele origin: de novo. Inheritance: Autosomal dominant inheritance. Affected: yes.
Comment: This is a nonsynonymous variant in the POU3F3 gene (OMIM: 602480). Pathogenic variants in this gene have been associated with autosomal dominant Snijders Blok-Fisher syndrome. It lies within a known hotspot for pathogenic variants or a well-established critical functional domain of the POU3F3 protein (PMID: 37165752, 31303265) (PM1), and multiple computational algorithms predict a deleterious effect for this variant (REVEL score: 0.857) (PP3). This variant is absent from control populations (PM2), and it has not been reported in individuals with POU3F3-related disorders in the databases available for review. Based on the current evidence, this variant is classified as likely pathogenic for autosomal dominant Snijders Blok-Fisher syndrome.

Literature cited by the submitters: PubMed 37165752; PubMed 31303265.

NM_006236.3(POU3F3):c.1373G>A (p.Arg458His)

Gene: POU3F3 (POU class 3 homeobox 3; plus strand). Cytogenetic location: 2q12.1.
Variant type: single nucleotide variant.
Coding change: c.1373G>A on transcript NM_006236.3 (MANE Select); coding-DNA position 1373, G replaced by A.
Protein change: p.Arg458His; replaces arginine 458 with histidine.
Molecular consequence: missense variant.
Genome position (GRCh38, 1-based): chr2:104,856,883, G>A. VCF-style: chr2-104856883-G-A. GRCh37 (hg19) VCF-style: chr2-105473341-G-A.
Other names: c.1373G>A, p.Arg458His (NM_001433704.1); short protein forms R458H.
Identifiers: ClinVar variation 4852257 (VCV004852257.1).